The following is an entry in ClinVar:

ClinVar aggregate classification (germline): Uncertain significance. Review status: criteria provided, multiple submitters, no conflicts (2 of 4 stars). 2 submissions from 2 submitters: Uncertain significance (2). Last evaluated 2025-08-19.

Allele frequency attached by ClinVar (database versions not stated): gnomAD 0.00001; gnomAD exomes 0.00001 and 0.00002; TOPMed 0.00001; ExAC 0.00002.
gnomAD v4.1: 9 of 1,612,478 alleles (0.00056%); highest among the groups gnomAD compares: Admixed American, 0.0033%; 1 homozygote.

Submissions (2):

Ambry Genetics
Classification: Uncertain significance. Last evaluated: 2025-08-19. Review status: criteria provided, single submitter. Criteria: Ambry Variant Classification Scheme 2023. Collection method: clinical testing. Allele origin: germline.
Comment: The p.R103C variant (also known as c.307C>T), located in coding exon 5 of the FAM175A gene, results from a C to T substitution at nucleotide position 307. The arginine at codon 103 is replaced by cysteine, an amino acid with highly dissimilar properties. This amino acid position is conserved. In addition, this alteration is predicted to be deleterious by in silico analysis. Since supporting evidence is limited at this time, the clinical significance of this alteration remains unclear.

Labcorp Genetics (formerly Invitae), Labcorp
Classification: Uncertain significance. Last evaluated: 2022-12-21. Review status: criteria provided, single submitter. Criteria: Invitae Variant Classification Sherloc (09022015). Collection method: clinical testing. Allele origin: germline.
Comment: In summary, the available evidence is currently insufficient to determine the role of this variant in disease. Therefore, it has been classified as a Variant of Uncertain Significance. Advanced modeling of protein sequence and biophysical properties (such as structural, functional, and spatial information, amino acid conservation, physicochemical variation, residue mobility, and thermodynamic stability) performed at Invitae indicates that this missense variant is expected to disrupt ABRAXAS1 protein function. ClinVar contains an entry for this variant (Variation ID: 845102). This variant has not been reported in the literature in individuals affected with ABRAXAS1-related conditions. This variant is present in population databases (rs748680448, gnomAD 0.01%). This sequence change replaces arginine, which is basic and polar, with cysteine, which is neutral and slightly polar, at codon 103 of the ABRAXAS1 protein (p.Arg103Cys).

NM_139076.3(ABRAXAS1):c.307C>T (p.Arg103Cys)

Gene: ABRAXAS1 (abraxas 1, BRCA1 A complex subunit; minus strand). Cytogenetic location: 4q21.23.
Variant type: single nucleotide variant.
Coding change: c.307C>T on transcript NM_139076.3 (MANE Select); coding-DNA position 307, C replaced by T.
Protein change: p.Arg103Cys; replaces arginine 103 with cysteine.
Molecular consequence: missense variant. On other transcripts: 5 prime UTR variant (1).
Genome position (GRCh38, 1-based): chr4:83,470,372, G>A on the plus strand (C>T on the coding strand, the complement: ABRAXAS1 is on the minus strand). VCF-style: chr4-83470372-G-A. GRCh37 (hg19) VCF-style: chr4-84391525-G-A.
Other names: c.-21C>T (NM_001345962.2); short protein forms R103C.
Identifiers: ClinVar variation 845102 (VCV000845102.13), dbSNP rs748680448, ClinGen allele CA2990577.
Genomic context (GRCh38, chr4:83,470,372, plus strand): 5'-CCTGCAAGTTTTTGTGAAGCAGCCTCTCTCTAAACGTCATGATCTGATCTGAATGACGAC[G>A]GAATTTGTACCAACCTACCACATTCTGAAATACAGAATAAAAAGGATATACATCTTAATA-3'
Protein context (NP_620775.2, residues 93-113): KKNVVGWYKF[Arg103Cys]RHSDQIMTFR